The following is an entry in ClinVar:

NM_000321.3(RB1):c.2684C>G (p.Ser895Cys)

Gene: RB1 (RB transcriptional corepressor 1; plus strand). Cytogenetic location: 13q14.2.
Variant type: single nucleotide variant.
Coding change: c.2684C>G on transcript NM_000321.3 (MANE Select); coding-DNA position 2684, C replaced by G.
Protein change: p.Ser895Cys; replaces serine 895 with cysteine.
Molecular consequence: missense variant.
Genome position (GRCh38, 1-based): chr13:48,477,375, C>G. VCF-style: chr13-48477375-C-G. GRCh37 (hg19) VCF-style: chr13-49051511-C-G.
Other names: c.2684C>G, p.Ser895Cys (NM_001407165.1); c.134C>G, p.Ser45Cys (NM_001407168.1); short protein forms S45C, S895C.
Identifiers: ClinVar variation 3073976 (VCV003073976.1), dbSNP rs2138360862, ClinGen allele CA388157817.

ClinVar aggregate classification (germline): Uncertain significance (1 of 4 stars; one submission).

Conditions:
Retinoblastoma (RB1). Also called: RETINOBLASTOMA, SOMATIC. Identifiers: Orphanet 790, MedGen C0035335, MeSH D012175, MONDO:0008380, OMIM 180200, HP:0009919. Disease mechanism: loss of function. Inheritance: Both sporadic and heritable forms are tested..

Submission:

All of Us Research Program, National Institutes of Health
Classification: Uncertain significance for Retinoblastoma. Last evaluated: 2023-11-30. Review status: criteria provided, single submitter. Criteria: ACMG Guidelines, 2015. Collection method: clinical testing. Allele origin: germline. Inheritance: Autosomal dominant inheritance. Observed: 1 variant allele, 1 heterozygote.
Comment: This study involves interpretation of variants in research participants for the purpose of population health screening. Participant phenotype was not available at the time of variant classification. Additional details can be found in publication PMID: 35346344, PMCID: PMC8962531